The following is an entry in ClinVar:

NM_017763.6(RNF43):c.839C>A (p.Ser280Tyr)

Gene: RNF43 (ring finger protein 43; minus strand). Cytogenetic location: 17q22.
Variant type: single nucleotide variant.
Coding change: c.839C>A on transcript NM_017763.6 (MANE Select); coding-DNA position 839, C replaced by A.
Protein change: p.Ser280Tyr; replaces serine 280 with tyrosine.
Molecular consequence: missense variant.
Genome position (GRCh38, 1-based): chr17:58,360,793, G>T on the plus strand (C>A on the coding strand, the complement: RNF43 is on the minus strand). VCF-style: chr17-58360793-G-T. GRCh37 (hg19) VCF-style: chr17-56438154-G-T.
Other names: p.Ser280Tyr; c.839C>A, p.Ser280Tyr (NM_001305544.3, NM_001438820.1, NM_001438821.1 and 1 more transcripts); c.458C>A, p.Ser153Tyr (NM_001305545.2, NM_001437987.1); short protein forms S153Y, S280Y.
Identifiers: ClinVar variation 4277382 (VCV004277382.1).

ClinVar aggregate classification (germline): Uncertain significance (1 of 4 stars; one submission).

Conditions:
Sessile serrated polyposis cancer syndrome (SSPCS). Identifiers: Orphanet 157798, MedGen C4310714, MONDO:0014919, OMIM 617108.

Submission:

Foundation for Research in Genetics and Endocrinology, FRIGE's Institute of Human Genetics
Classification: Uncertain significance for Sessile serrated polyposis cancer syndrome. Last evaluated: 2025-09-15. Review status: criteria provided, single submitter. Criteria: ACMG Guidelines, 2015. Collection method: clinical testing. Allele origin: germline. Inheritance: Autosomal dominant inheritance. Affected: yes. Observed: 1 heterozygote.
Comment: A heterozygous missense variation in exon 7 of the RNF43 gene that results in the amino acid substitution of Tyrosine for Serine at codon 280 (p.Ser280Ty) was detected. The p.Ser280Tyr variant has not been reported in the 1000 genomes, gnomAD V3.0 and gnomAD V2.1 databases. The in silico predictions of the variant are possibly damaging by PolyPhen-2 (HumDiv) and damaging by Mutation Taster-2 tool. The reference codon is conserved across species. In summary, the variant meets our criteria to be classified as variant of uncertain significance.